The following is an entry in ClinVar:

NM_013352.4(DSE):c.2546C>A (p.Pro849His)

Gene: DSE (dermatan sulfate epimerase; plus strand). Cytogenetic location: 6q22.1.
Variant type: single nucleotide variant.
Coding change: c.2546C>A on transcript NM_013352.4 (MANE Select); coding-DNA position 2546, C replaced by A.
Protein change: p.Pro849His; replaces proline 849 with histidine.
Molecular consequence: missense variant. On other transcripts: 3 prime UTR variant (2), non-coding transcript variant (1).
Genome position (GRCh38, 1-based): chr6:116,437,014, C>A. VCF-style: chr6-116437014-C-A. GRCh37 (hg19) VCF-style: chr6-116758177-C-A.
Other names: c.2546C>A, p.Pro849His (NM_001080976.3, NM_001322937.2, NM_001322938.2); c.2603C>A, p.Pro868His (NM_001322939.2); c.1985C>A, p.Pro662His (NM_001322940.2, NM_001322941.2); c.*1411C>A (NM_001322943.2, NM_001322944.2); c.1547C>A, p.Pro516His (NM_001374520.1); c.1511C>A, p.Pro504His (NM_001374521.1); short protein forms P662H, P504H, P868H, P516H, P849H.
Identifiers: ClinVar variation 2115444 (VCV002115444.4), dbSNP rs1182878832, ClinGen allele CA365408300.

ClinVar aggregate classification (germline): Uncertain significance (1 of 4 stars; one submission).

Conditions:
Ehlers-Danlos syndrome, musculocontractural type 2 (EDSMC2). Identifiers: Orphanet 2953, MedGen C3809845, MONDO:0014236, OMIM 615539.

gnomAD v4.1: 7 of 1,613,876 alleles (0.00043%); no homozygotes.

Submission:

Labcorp Genetics (formerly Invitae), Labcorp
Classification: Uncertain significance for Ehlers-Danlos syndrome, musculocontractural type 2. Last evaluated: 2022-03-20. Review status: criteria provided, single submitter. Criteria: Invitae Variant Classification Sherloc (09022015). Collection method: clinical testing. Allele origin: germline.
Comment: This variant is present in population databases (no rsID available, gnomAD 0.009%). This sequence change replaces proline, which is neutral and non-polar, with histidine, which is basic and polar, at codon 849 of the DSE protein (p.Pro849His). In summary, the available evidence is currently insufficient to determine the role of this variant in disease. Therefore, it has been classified as a Variant of Uncertain Significance. Algorithms developed to predict the effect of missense changes on protein structure and function are either unavailable or do not agree on the potential impact of this missense change (SIFT: "Not Available"; PolyPhen-2: "Benign"; Align-GVGD: "Not Available"). This variant has not been reported in the literature in individuals affected with DSE-related conditions.